The following is an entry in ClinVar:

NM_001256789.3(CACNA1F):c.1855del (p.Leu619fs)

Gene: CACNA1F (calcium voltage-gated channel subunit alpha1 F; minus strand). Cytogenetic location: Xp11.23.
Variant type: Deletion.
Coding change: c.1855del on transcript NM_001256789.3 (MANE Select); coding-DNA position 1855, one base deleted (C; older notation c.1855delC).
Protein change: p.Leu619fs; shifts the reading frame from leucine 619.
Molecular consequence: frameshift variant.
Genome position (GRCh38, 1-based): chrX:49,224,783, G deleted on the plus strand (C on the coding strand, the reverse complement: CACNA1F is on the minus strand); the first of 2 consecutive G bases (chrX:49,224,783-49,224,784); deleting either gives the same sequence. VCF-style (leftmost placement, unchanged base first): chrX-49224782-AG-A. GRCh37 (hg19) VCF-style: chrX-49081244-AG-A.
Other names: c.1693del, p.Leu565fs (NM_001256790.3); c.1888del, p.Leu630fs (NM_005183.4); short protein forms L565fs, L619fs, L630fs.
Identifiers: ClinVar variation 1699338 (VCV001699338.4), dbSNP rs2147916504, ClinGen allele CA2573130271.

ClinVar aggregate classification (germline): Pathogenic (1 of 4 stars; one submission).

Conditions:
X-linked cone-rod dystrophy 3 (CORDX3). Identifiers: Orphanet 1872, MedGen C1845407, MONDO:0010335, OMIM 300476.

Submission:

Victorian Clinical Genetics Services, Murdoch Childrens Research Institute
Classification: Pathogenic for X-linked cone-rod dystrophy 3. Last evaluated: 2022-06-24. Review status: criteria provided, single submitter. Criteria: ACMG Guidelines, 2015. Collection method: clinical testing. Allele origin: germline. Affected: no.
Comment: Based on the classification scheme VCGS_Germline_v1.3.4, this variant is classified as Pathogenic. Following criteria are met: 0103 - Both loss- and gain-of-function are known mechanisms of disease for this gene (PMID: 25307992, PMID: 29854783). Variants resulting in a truncated protein and some missense have been reported to have a loss of function effect on protein, while only missense have been proven to have a gain of function effect (PMID: 15897456). (N) 0109 - This gene is known to be associated with X-linked recessive disease. However, carrier females have been reported to be mildly affected (PMID: 15897456; PMID: 31651202). (N) 0201 - Variant is predicted to cause nonsense-mediated decay (NMD) and loss of protein (premature termination codon is located at least 54 nucleotides upstream of the final exon-exon junction). (SP) 0253 - This variant is hemizygous. (I) 0301 - Variant is absent from gnomAD (both v2 and v3). (SP) 0701 - Other NMD-predicted variants comparable to the one identified in this case have very strong previous evidence for pathogenicity (ClinVar). (SP) 0807 - This variant has no previous evidence of pathogenicity. (I) 0905 - No published segregation evidence has been identified for this variant. (I) 1007 - No published functional evidence has been identified for this variant. (I) Legend: (SP) - Supporting pathogenic, (I) - Information, (SB) - Supporting benign

Literature cited by the submitters: PubMed 15897456; PubMed 25307992; PubMed 29854783; PubMed 31651202.